The following is an entry in ClinVar:

ClinVar aggregate classification (germline): Uncertain significance (1 of 4 stars; one submission).

Conditions:
Glycine encephalopathy. Also called: Nonketotic hyperglycinemia; Non-ketotic hyperglycinemia. Identifiers: Orphanet 407, MedGen C0751748, MONDO:0011612, HP:0008288.

Allele frequency attached by ClinVar (database versions not stated): ExAC 0.00001.
gnomAD v4.1: 1 of 1,613,284 alleles (0.000062%); no homozygotes.

Submission:

Labcorp Genetics (formerly Invitae), Labcorp
Classification: Uncertain significance for Glycine encephalopathy. Last evaluated: 2022-11-08. Review status: criteria provided, single submitter. Criteria: Invitae Variant Classification Sherloc (09022015). Collection method: clinical testing. Allele origin: germline.
Comment: In summary, the available evidence is currently insufficient to determine the role of this variant in disease. Therefore, it has been classified as a Variant of Uncertain Significance. Algorithms developed to predict the effect of missense changes on protein structure and function (SIFT, PolyPhen-2, Align-GVGD) all suggest that this variant is likely to be tolerated. ClinVar contains an entry for this variant (Variation ID: 1412367). This variant has not been reported in the literature in individuals affected with AMT-related conditions. This variant is present in population databases (rs753829515, gnomAD 0.003%). This sequence change replaces alanine, which is neutral and non-polar, with proline, which is neutral and non-polar, at codon 4 of the AMT protein (p.Ala4Pro).

NM_000481.4(AMT):c.10G>C (p.Ala4Pro)

Genes: AMT (aminomethyltransferase; minus strand), NICN1 (nicolin 1, tubulin polyglutamylase complex subunit; minus strand). Cytogenetic location: 3p21.31.
Variant type: single nucleotide variant.
Coding change: c.10G>C on transcript NM_000481.4 (MANE Select); coding-DNA position 10, G replaced by C.
Protein change: p.Ala4Pro; replaces alanine 4 with proline.
Molecular consequence: missense variant. On other transcripts: non-coding transcript variant (1), 3 prime UTR variant (1).
Genome position (GRCh38, 1-based): chr3:49,422,441, C>G on the plus strand (G>C on the coding strand, the complement: AMT is on the minus strand). VCF-style: chr3-49422441-C-G. GRCh37 (hg19) VCF-style: chr3-49459874-C-G.
Other names: c.10G>C, p.Ala4Pro (NM_001164710.2, NM_001164711.2, NM_001164712.2); c.*2392G>C (NM_032316.3); short protein forms A4P.
Identifiers: ClinVar variation 1412367 (VCV001412367.8), dbSNP rs753829515, ClinGen allele CA2398520.